The following is an entry in ClinVar:

ClinVar aggregate classification (germline): Conflicting classifications of pathogenicity. Review status: criteria provided, conflicting classifications (1 of 4 stars). 4 submissions from 4 submitters: Uncertain significance (3); Likely benign (1). Last evaluated 2025-06-26.

Conditions:
TTN-related disorder. Also called: TTN-related disorders; TTN-related condition; TTN-related disease.

Allele frequency attached by ClinVar (database versions not stated): 1000 Genomes Project 30x 0.00016; 1000 Genomes Project 0.00020.
gnomAD v4.1: 15 of 1,523,724 alleles (0.00098%); highest among the groups gnomAD compares: South Asian, 0.011%; no homozygotes.

Submissions (4):

PreventionGenetics, part of Exact Sciences
Classification: Uncertain significance for TTN-related condition. Last evaluated: 2025-06-26. Review status: criteria provided, single submitter. Criteria: ACMG Guidelines, 2015. Collection method: clinical testing. Allele origin: germline.
Comment: The TTN c.63185T>C variant is predicted to result in the amino acid substitution p.Ile21062Thr. To our knowledge, this variant has not been reported in the literature. This variant is reported in 0.041% of alleles in individuals of South Asian descent in gnomAD. At this time, the clinical significance of this variant is uncertain due to the absence of conclusive functional and genetic evidence.

Mayo Clinic Laboratories, Mayo Clinic
Classification: Uncertain significance. Last evaluated: 2024-09-09. Review status: criteria provided, single submitter. Criteria: ACMG Guidelines, 2015. Collection method: clinical testing. Allele origin: germline. Observed: 1 variant allele.

Blueprint Genetics
Classification: Likely benign. Last evaluated: 2021-10-06. Review status: criteria provided, single submitter. Criteria: ACMG Guidelines, 2015. Collection method: clinical testing. Allele origin: germline.

Genetic Services Laboratory, University of Chicago
Classification: Uncertain significance. Last evaluated: 2015-07-17. Review status: criteria provided, single submitter. Criteria: ACMG Guidelines, 2015. Collection method: clinical testing. Allele origin: germline.

NM_001267550.2(TTN):c.63185T>C (p.Ile21062Thr)

Genes: TTN (titin; minus strand), TTN-AS1 (TTN antisense RNA 1; plus strand). Cytogenetic location: 2q31.2.
Variant type: single nucleotide variant.
Coding change: c.63185T>C on transcript NM_001267550.2 (MANE Select); coding-DNA position 63185, T replaced by C.
Protein change: p.Ile21062Thr; replaces isoleucine 21062 with threonine.
Molecular consequence: missense variant.
Genome position (GRCh38, 1-based): chr2:178,588,540, A>G on the plus strand (T>C on the coding strand, the complement: TTN is on the minus strand). VCF-style: chr2-178588540-A-G. GRCh37 (hg19) VCF-style: chr2-179453267-A-G.
Other names: p.Ile18494Thr; c.58262T>C, p.Ile19421Thr (NM_001256850.1); c.35990T>C, p.Ile11997Thr (NM_003319.4); c.55481T>C, p.Ile18494Thr (NM_133378.4); c.36365T>C, p.Ile12122Thr (NM_133432.3); c.36566T>C, p.Ile12189Thr (NM_133437.4); short protein forms I18494T, I21062T, I12122T, I11997T, I12189T, I19421T.
Identifiers: ClinVar variation 212478 (VCV000212478.9), dbSNP rs575313522, ClinGen allele CA208718.